The following is an entry in ClinVar:

NM_001844.5(COL2A1):c.2049+1G>T

Gene: COL2A1 (collagen type II alpha 1 chain; minus strand). Cytogenetic location: 12q13.11.
Variant type: single nucleotide variant.
Coding change: c.2049+1G>T on transcript NM_001844.5 (MANE Select); the canonical splice donor site of the intron after coding-DNA position 2049, G replaced by T.
Molecular consequence: splice donor variant.
Genome position (GRCh38, 1-based): chr12:47,983,384, C>A on the plus strand (G>T on the coding strand, the complement: COL2A1 is on the minus strand). VCF-style: chr12-47983384-C-A. GRCh37 (hg19) VCF-style: chr12-48377167-C-A.
Other names: c.1842+1G>T (NM_033150.3).
Identifiers: ClinVar variation 2764709 (VCV002764709.3), dbSNP rs1555166658, ClinGen allele CA384547776.

ClinVar aggregate classification (germline): Pathogenic (1 of 4 stars; one submission).

Submission:

Labcorp Genetics (formerly Invitae), Labcorp
Classification: Pathogenic. Last evaluated: 2023-09-30. Review status: criteria provided, single submitter. Criteria: Invitae Variant Classification Sherloc (09022015). Collection method: clinical testing. Allele origin: germline.
Comment: For these reasons, this variant has been classified as Pathogenic. Algorithms developed to predict the effect of sequence changes on RNA splicing suggest that this variant may disrupt the consensus splice site. Disruption of this splice site has been observed in individual(s) with Stickler syndrome (PMID: 26626311). This variant is not present in population databases (gnomAD no frequency). This sequence change affects a donor splice site in intron 31 of the COL2A1 gene. It is expected to disrupt RNA splicing. Variants that disrupt the donor or acceptor splice site typically lead to a loss of protein function (PMID: 16199547), and loss-of-function variants in COL2A1 are known to be pathogenic (PMID: 20179744).

Literature cited by the submitters: PubMed 26626311; PubMed 16199547; PubMed 20179744.